The following is an entry in ClinVar:

NM_004304.5(ALK):c.2776G>T (p.Gly926Trp)

Gene: ALK (ALK receptor tyrosine kinase; minus strand). Cytogenetic location: 2p23.2.
Variant type: single nucleotide variant.
Coding change: c.2776G>T on transcript NM_004304.5 (MANE Select); coding-DNA position 2776, G replaced by T.
Protein change: p.Gly926Trp; replaces glycine 926 with tryptophan.
Molecular consequence: missense variant.
Genome position (GRCh38, 1-based): chr2:29,228,923, C>A on the plus strand (G>T on the coding strand, the complement: ALK is on the minus strand). VCF-style: chr2-29228923-C-A. GRCh37 (hg19) VCF-style: chr2-29451789-C-A.
Other names: short protein forms G926W.
Identifiers: ClinVar variation 1356961 (VCV001356961.8), dbSNP rs1664097034, ClinGen allele CA346469577.
Genomic context (GRCh38, chr2:29,228,923, plus strand): 5'-TTGAACACGAATCATCTTTACCTATATATCCTCCGCCTCCTCCACCTGAGGAGCACCCCC[C>A]TCCACCCCCTCCGAAACCCCCTCTTGTCTCCCACCCCCACTTCTTCATGGCCTGGGGGCA-3'
Protein context (NP_004295.2, residues 916-936): ETRGGFGGGG[Gly926Trp]GCSSGGGGGG

ClinVar aggregate classification (germline): Uncertain significance (1 of 4 stars; one submission).

Conditions:
Neuroblastoma, susceptibility to, 3. Also called: ALK-Related Neuroblastic Tumor Susceptibility. Identifiers: Orphanet 635, MedGen C2751681, MONDO:0013083, OMIM 613014.

Submission:

Labcorp Genetics (formerly Invitae), Labcorp
Classification: Uncertain significance for Neuroblastoma, susceptibility to, 3. Last evaluated: 2021-05-28. Review status: criteria provided, single submitter. Criteria: Invitae Variant Classification Sherloc (09022015). Collection method: clinical testing. Allele origin: germline.
Comment: Algorithms developed to predict the effect of missense changes on protein structure and function (SIFT, PolyPhen-2, Align-GVGD) all suggest that this variant is likely to be disruptive, but these predictions have not been confirmed by published functional studies and their clinical significance is uncertain. In summary, the available evidence is currently insufficient to determine the role of this variant in disease. Therefore, it has been classified as a Variant of Uncertain Significance. This variant has not been reported in the literature in individuals with ALK-related conditions. This variant is not present in population databases (ExAC no frequency). This sequence change replaces glycine with tryptophan at codon 926 of the ALK protein (p.Gly926Trp). The glycine residue is highly conserved and there is a large physicochemical difference between glycine and tryptophan.